The following is an entry in ClinVar:

ClinVar aggregate classification (germline): Uncertain significance (1 of 4 stars; one submission).

Submission:

Labcorp Genetics (formerly Invitae), Labcorp
Classification: Uncertain significance. Last evaluated: 2022-05-08. Review status: criteria provided, single submitter. Criteria: Invitae Variant Classification Sherloc (09022015). Collection method: clinical testing. Allele origin: germline.
Comment: This sequence change replaces methionine, which is neutral and non-polar, with threonine, which is neutral and polar, at codon 1821 of the MYO18B protein (p.Met1821Thr). The frequency data for this variant in the population databases is considered unreliable, as metrics indicate poor data quality at this position in the gnomAD database. This variant has not been reported in the literature in individuals affected with MYO18B-related conditions. Algorithms developed to predict the effect of missense changes on protein structure and function are either unavailable or do not agree on the potential impact of this missense change (SIFT: "Not Available"; PolyPhen-2: "Benign"; Align-GVGD: "Not Available"). In summary, the available evidence is currently insufficient to determine the role of this variant in disease. Therefore, it has been classified as a Variant of Uncertain Significance.

NM_032608.7(MYO18B):c.5462T>C (p.Met1821Thr)

Gene: MYO18B (myosin XVIIIB; plus strand). Cytogenetic location: 22q12.1.
Variant type: single nucleotide variant.
Coding change: c.5462T>C on transcript NM_032608.7 (MANE Select); coding-DNA position 5462, T replaced by C.
Protein change: p.Met1821Thr; replaces methionine 1821 with threonine.
Molecular consequence: missense variant.
Genome position (GRCh38, 1-based): chr22:25,921,354, T>C. VCF-style: chr22-25921354-T-C. GRCh37 (hg19) VCF-style: chr22-26317321-T-C.
Other names: c.5465T>C, p.Met1822Thr (NM_001318245.2); short protein forms M1821T, M1822T.
Identifiers: ClinVar variation 1939497 (VCV001939497.2), dbSNP rs1467678533, ClinGen allele CA411005410.